The following is an entry in ClinVar:

NM_022464.5(SIL1):c.9C>G (p.Pro3=)

Gene: SIL1 (SIL1 nucleotide exchange factor; minus strand). Cytogenetic location: 5q31.2.
Variant type: single nucleotide variant.
Coding change: c.9C>G on transcript NM_022464.5 (MANE Select); coding-DNA position 9, C replaced by G.
Protein change: p.Pro3=; no amino-acid change (proline 3 retained).
Molecular consequence: synonymous variant.
Genome position (GRCh38, 1-based): chr5:139,127,835, G>C on the plus strand (C>G on the coding strand, the complement: SIL1 is on the minus strand). VCF-style: chr5-139127835-G-C. GRCh37 (hg19) VCF-style: chr5-138463524-G-C.
Other names: c.9C>G, p.Pro3= (NM_001037633.2); c.9C>G (NM_022464.4).
Identifiers: ClinVar variation 2069152 (VCV002069152.5), dbSNP rs369172475, ClinGen allele CA3432708.
Genomic context (GRCh38, chr5:139,127,835, plus strand): 5'-GGCCATCAGCAGCCCAAGCAGCATGCCCAGAGGAGCCATCCTAGATGAAGGCAGGCTCTG[G>C]GGAGCCATAGTCAGGGACCTGCAGGTGCAAGCATAGACAACAGAAGGTCAATGAAAAGCT-3'
Protein context (NP_071909.1, residues 1-13): MA[Pro3=]QSLPSSRMAP

ClinVar aggregate classification (germline): Conflicting classifications of pathogenicity. Review status: criteria provided, conflicting classifications (1 of 4 stars). 2 submissions from 2 submitters: Uncertain significance (1); Likely benign (1). Last evaluated 2026-01-26.

Conditions:
Marinesco-Sjögren syndrome (MSS). Also called: Marinesco-Sjogren Syndrome; Marinesco-SjÃ¶gren syndrome. Identifiers: Orphanet 559, MedGen C0024814, MONDO:0009567, OMIM 248800.

Allele frequency attached by ClinVar (database versions not stated): ExAC 0.00002; gnomAD exomes 0.00002; TOPMed 0.00002; gnomAD 0.00005; ESP Exome Variant Server 0.00008.
gnomAD v4.1: 32 of 1,602,370 alleles (0.002%); highest among the groups gnomAD compares: Admixed American, 0.0069%; no homozygotes.

Submissions (2):

Labcorp Genetics (formerly Invitae), Labcorp
Classification: Likely benign for Marinesco-Sjögren syndrome. Last evaluated: 2026-01-26. Review status: criteria provided, single submitter. Criteria: Invitae Variant Classification Sherloc (09022015). Collection method: clinical testing. Allele origin: germline.

Athena Diagnostics
Classification: Uncertain significance. Last evaluated: 2022-12-28. Review status: criteria provided, single submitter. Criteria: Athena Diagnostics Criteria. Collection method: clinical testing. Allele origin: unknown.
Comment: Available data are insufficient to determine the clinical significance of the variant at this time. The frequency of this variant in the general population is uninformative in assessment of its pathogenicity. Computational tools yielded predictions that this variant is unlikely to have an effect on normal RNA splicing.